The following is an entry in ClinVar:

NM_000238.4(KCNH2):c.6G>A (p.Pro2=)

Gene: KCNH2 (potassium voltage-gated channel subfamily H member 2; minus strand). Cytogenetic location: 7q36.1.
Variant type: single nucleotide variant.
Coding change: c.6G>A on transcript NM_000238.4 (MANE Select); coding-DNA position 6, G replaced by A.
Protein change: p.Pro2=; no amino-acid change (proline 2 retained).
Molecular consequence: synonymous variant. On other transcripts: non-coding transcript variant (1).
Genome position (GRCh38, 1-based): chr7:150,977,908, C>T on the plus strand (G>A on the coding strand, the complement: KCNH2 is on the minus strand). VCF-style: chr7-150977908-C-T. GRCh37 (hg19) VCF-style: chr7-150674996-C-T.
Other names: c.6G>A, p.Pro2= (NM_172056.3).
Identifiers: ClinVar variation 508775 (VCV000508775.13), dbSNP rs976831436, ClinGen allele CA169091837.

ClinVar aggregate classification (germline): Likely benign. Review status: criteria provided, multiple submitters, no conflicts (2 of 4 stars). 4 submissions from 4 submitters: Likely benign (4). Last evaluated 2024-11-06.

Conditions:
Cardiovascular phenotype. Identifiers: MedGen CN230736.
Long QT syndrome (LQTS). Identifiers: MedGen C0023976, MeSH D008133, MONDO:0002442. Disease mechanism: loss of function. Inheritance: Various modes of inheritance.

Allele frequency attached by ClinVar (database versions not stated): gnomAD 0.00001 and 0.00003.
gnomAD v4.1: 3 of 1,604,388 alleles (0.00019%); highest among the groups gnomAD compares: African/African-American, 0.0027%; no homozygotes.

Submissions (4):

Labcorp Genetics (formerly Invitae), Labcorp
Classification: Likely benign for Long QT syndrome. Last evaluated: 2024-11-06. Review status: criteria provided, single submitter. Criteria: Invitae Variant Classification Sherloc (09022015). Collection method: clinical testing. Allele origin: germline.

Ambry Genetics
Classification: Likely benign for Cardiovascular phenotype. Last evaluated: 2024-07-04. Review status: criteria provided, single submitter. Criteria: Ambry Variant Classification Scheme 2023. Collection method: clinical testing. Allele origin: germline.

Blueprint Genetics
Classification: Likely benign. Last evaluated: 2019-07-25. Review status: criteria provided, single submitter. Criteria: ACMG Guidelines, 2015. Collection method: clinical testing. Allele origin: germline.

GeneDx
Classification: Likely benign. Last evaluated: 2017-04-04. Review status: criteria provided, single submitter. Criteria: GeneDx Variant Classification (06012015). Collection method: clinical testing. Allele origin: germline. Affected: yes.
Comment: This variant is considered likely benign or benign based on one or more of the following criteria: it is a conservative change, it occurs at a poorly conserved position in the protein, it is predicted to be benign by multiple in silico algorithms, and/or has population frequency not consistent with disease.